The following is an entry in ClinVar:

ClinVar aggregate classification (germline): Conflicting classifications of pathogenicity. Review status: criteria provided, conflicting classifications (1 of 4 stars). 7 submissions from 7 submitters: Uncertain significance (4); Likely benign (2). 1 of the submissions does not count toward it. Last evaluated 2026-01-19.

Conditions:
CDH23-related disorder. Also called: CDH23-related condition; CDH23-related disorders.
Inborn genetic diseases. Identifiers: MedGen C0950123, MeSH D030342.
Usher syndrome type 1 (USH1). Also called: RETINITIS PIGMENTOSA AND CONGENITAL DEAFNESS. Identifiers: Orphanet 231169, Orphanet 886, MedGen C1568247, MONDO:0010168, OMIM 276900.

Allele frequency attached by ClinVar (database versions not stated): gnomAD exomes 0.00005 and 0.00012; ExAC 0.00013; 1000 Genomes Project 30x 0.00016; 1000 Genomes Project 0.00020; ESP Exome Variant Server 0.00032; gnomAD 0.00039 and 0.00044; TOPMed 0.00048.
gnomAD v4.1: 133 of 1,613,634 alleles (0.0082%); highest among the groups gnomAD compares: African/African-American, 0.13%; no homozygotes.

Submissions (7):

Labcorp Genetics (formerly Invitae), Labcorp
Classification: Likely benign. Last evaluated: 2026-01-19. Review status: criteria provided, single submitter. Criteria: Invitae Variant Classification Sherloc (09022015). Collection method: clinical testing. Allele origin: germline.

Ambry Genetics
Classification: Uncertain significance for Inborn genetic diseases. Last evaluated: 2025-10-16. Review status: criteria provided, single submitter. Criteria: Ambry Variant Classification Scheme 2023. Collection method: clinical testing. Allele origin: germline.
Comment: The c.3230C>T (p.P1077L) alteration is located in exon 28 (coding exon 27) of the CDH23 gene. This alteration results from a C to T substitution at nucleotide position 3230, causing the proline (P) at amino acid position 1077 to be replaced by a leucine (L). Based on data from gnomAD, the T allele has an overall frequency of 0.015% (42/279914) total alleles studied. The highest observed frequency was 0.145% (35/24132) of African alleles. This amino acid position is highly conserved in available vertebrate species. The in silico prediction for this alteration is inconclusive. Based on insufficient or conflicting evidence, the clinical significance of this alteration remains unclear.

PreventionGenetics, part of Exact Sciences
Classification: Likely benign for CDH23-related condition. Last evaluated: 2025-06-16. Review status: criteria provided, single submitter. Criteria: ACMG Guidelines, 2015. Collection method: clinical testing. Allele origin: germline.
Comment: This variant is classified as likely benign based on ACMG/AMP sequence variant interpretation guidelines (Richards et al. 2015 PMID: 25741868, with internal and published modifications).

Blueprint Genetics
Classification: Uncertain significance. Last evaluated: 2024-04-12. Review status: criteria provided, single submitter. Criteria: ACMG Guidelines, 2015. Collection method: clinical testing. Allele origin: germline.

GeneDx
Classification: Uncertain significance. Last evaluated: 2021-04-28. Review status: criteria provided, single submitter. Criteria: GeneDx Variant Classification Process June 2021. Collection method: clinical testing. Allele origin: germline. Affected: yes.
Comment: In-silico analyses, including protein predictors and evolutionary conservation, support that this variant does not alter protein structure/function; Has not been previously published as pathogenic or benign to our knowledge

Laboratory for Molecular Medicine, Mass General Brigham Personalized Medicine
Classification: Uncertain significance. Last evaluated: 2015-11-25. Review status: criteria provided, single submitter. Criteria: LMM Criteria. Collection method: clinical testing. Allele origin: germline. Observed: 2 variant alleles.
Comment: The variant has been identified in 0.16% (15/9416) o f African chromosomes by the Exome Aggregation Consortium (ExAC; dbSNP rs202101019); however, this frequency is not high enough to rule out a pathogenic role. Computational prediction tools and conservation a nalysis suggest that this variant may impact the protein, though this informatio n is not predictive enough to determine pathogenicity. In summary, the clinical significance of the p.Pro1077Leu variant is uncertain.

Natera, Inc.
Classification: Uncertain significance for Usher syndrome type 1. Last evaluated: 2020-03-03. Review status: no assertion criteria provided. Collection method: clinical testing. Allele origin: germline. Not counted in ClinVar's aggregate classification.

NM_022124.6(CDH23):c.3230C>T (p.Pro1077Leu)

Genes: C10orf105 (chromosome 10 open reading frame 105; minus strand), CDH23 (cadherin related 23; plus strand). Cytogenetic location: 10q22.1.
Variant type: single nucleotide variant.
Coding change: c.3230C>T on transcript NM_022124.6 (MANE Select); coding-DNA position 3230, C replaced by T.
Protein change: p.Pro1077Leu; replaces proline 1077 with leucine.
Molecular consequence: missense variant. On other transcripts: 3 prime UTR variant (2).
Genome position (GRCh38, 1-based): chr10:71,712,674, C>T. VCF-style: chr10-71712674-C-T. GRCh37 (hg19) VCF-style: chr10-73472431-C-T.
Other names: c.*3262G>A (NM_001164375.3, NM_001168390.2); c.3230C>T, p.Pro1077Leu (NM_001171930.2); short protein forms P1077L.
Identifiers: ClinVar variation 162905 (VCV000162905.18), dbSNP rs202101019, ClinGen allele CA175482.